The following is an entry in ClinVar:

NM_000781.3(CYP11A1):c.56_59del (p.Thr18_Phe19insTer)

Gene: CYP11A1 (cytochrome P450 family 11 subfamily A member 1; minus strand). Cytogenetic location: 15q24.1.
Variant type: Deletion.
Coding change: c.56_59del on transcript NM_000781.3 (MANE Select); coding-DNA positions 56 to 59, 4 bases deleted (TTCT; older notation c.56_59delTTCT).
Protein change: p.Thr18_Phe19insTer.
Molecular consequence: nonsense.
Genome position (GRCh38, 1-based): chr15:74,367,527-74,367,530, AGAA deleted on the plus strand (TTCT on the coding strand, the reverse complement: CYP11A1 is on the minus strand); deleting any 4 consecutive bases within chr15:74,367,527-74,367,532 gives the same sequence; the c. name uses the placement nearest the transcript's 3' end. VCF-style (leftmost placement, unchanged base first): chr15-74367526-CAGAA-C. GRCh37 (hg19) VCF-style: chr15-74659867-CAGAA-C.
Identifiers: ClinVar variation 5004834 (VCV005004834.1).

ClinVar aggregate classification (germline): Pathogenic (1 of 4 stars; one submission).

Conditions:
Congenital adrenal insufficiency with 46, XY sex reversal OR 46,XY disorder of sex development-adrenal insufficiency due to CYP11A1 deficiency. Also called: P450scc DEFICIENCY; Congenital adrenal insuffiency with 46, XY sex reversal OR 46,XY disorder of sex development-adrenal insufficiency due to CYP11A1 deficiency. Identifiers: Orphanet 168558, MedGen C3151055, MONDO:0013400, OMIM 613743.

Submission:

Myriad Genetics, Inc.
Classification: Pathogenic for Congenital adrenal insufficiency with 46, XY sex reversal OR 46,XY disorder of sex development-adrenal insufficiency due to CYP11A1 deficiency. Last evaluated: 2026-08-07. Review status: criteria provided, single submitter. Criteria: Myriad Autosomal Dominant, Autosomal Recessive and X-Linked Classification Criteria (2023). Collection method: clinical testing. Allele origin: unknown.
Comment: NM_000781.2(CYP11A1):c.56_59delTTCT(F19*) is a nonsense variant classified as pathogenic in the context of congenital adrenal hyperplasia, CYP11A1-related. F19* has not been observed in cases with relevant disease. Relevant functional assessments of this variant are not available in the literature. F19* has not been observed in referenced population frequency databases. In summary, NM_000781.2(CYP11A1):c.56_59delTTCT(F19*) is a nonsense variant in a gene where loss of function is a known mechanism of disease and is predicted to disrupt protein function. Please note: this variant was assessed in the context of healthy population screening.